The following is an entry in ClinVar:

ClinVar aggregate classification (germline): Likely benign. Review status: criteria provided, multiple submitters, no conflicts (2 of 4 stars). 2 submissions from 2 submitters: Likely benign (2). Last evaluated 2025-08-28.

Conditions:
WDPCP-related disorder. Also called: WDPCP-related condition.
Bardet-Biedl syndrome (BBS). Identifiers: Orphanet 110, MedGen C0752166, MONDO:0015229.

Allele frequency attached by ClinVar (database versions not stated): gnomAD exomes below 0.00001; TOPMed below 0.00001; gnomAD 0.00001.
gnomAD v4.1: 6 of 1,587,184 alleles (0.00038%); highest among the groups gnomAD compares: East Asian, 0.0022%; no homozygotes.

Submissions (2):

PreventionGenetics, part of Exact Sciences
Classification: Likely benign for WDPCP-related condition. Last evaluated: 2025-08-28. Review status: criteria provided, single submitter. Criteria: ACMG Guidelines, 2015. Collection method: clinical testing. Allele origin: germline.
Comment: This variant is classified as likely benign based on ACMG/AMP sequence variant interpretation guidelines (Richards et al. 2015 PMID: 25741868, with internal and published modifications).

Labcorp Genetics (formerly Invitae), Labcorp
Classification: Likely benign for Bardet-Biedl syndrome. Last evaluated: 2025-03-03. Review status: criteria provided, single submitter. Criteria: Invitae Variant Classification Sherloc (09022015). Collection method: clinical testing. Allele origin: germline.

NM_015910.7(WDPCP):c.2191-4G>T

Gene: WDPCP (WD repeat containing planar cell polarity effector; minus strand). Cytogenetic location: 2p15.
Variant type: single nucleotide variant.
Coding change: c.2191-4G>T on transcript NM_015910.7 (MANE Select); 4 bases into the intron before coding-DNA position 2191, G replaced by T.
Molecular consequence: intron variant.
Genome position (GRCh38, 1-based): chr2:63,122,060, C>A on the plus strand (G>T on the coding strand, the complement: WDPCP is on the minus strand). VCF-style: chr2-63122060-C-A. GRCh37 (hg19) VCF-style: chr2-63349195-C-A.
Other names: c.2119-4G>T (NM_001354044.2); c.1714-4G>T (NM_001042692.3).
Identifiers: ClinVar variation 704578 (VCV000704578.8), dbSNP rs1044455747, ClinGen allele CA49203753.